The following is an entry in ClinVar:

NM_032634.4(PIGO):c.2839C>T (p.His947Tyr)

Gene: PIGO (phosphatidylinositol glycan anchor biosynthesis class O; minus strand). Cytogenetic location: 9p13.3.
Variant type: single nucleotide variant.
Coding change: c.2839C>T on transcript NM_032634.4 (MANE Select); coding-DNA position 2839, C replaced by T.
Protein change: p.His947Tyr; replaces histidine 947 with tyrosine.
Molecular consequence: missense variant.
Genome position (GRCh38, 1-based): chr9:35,090,481, G>A on the plus strand (C>T on the coding strand, the complement: PIGO is on the minus strand). VCF-style: chr9-35090481-G-A. GRCh37 (hg19) VCF-style: chr9-35090478-G-A.
Other names: c.1588C>T, p.His530Tyr (NM_001201484.2, NM_152850.4); short protein forms H947Y, H530Y.
Identifiers: ClinVar variation 582315 (VCV000582315.8), dbSNP rs769624406, ClinGen allele CA5040329.

ClinVar aggregate classification (germline): Uncertain significance (1 of 4 stars; one submission).

Conditions:
Hyperphosphatasia with impaired intellectual development syndrome 2. Also called: Hyperphosphatasia with intellectual disability syndrome 2; GLYCOSYLPHOSPHATIDYLINOSITOL BIOSYNTHESIS DEFECT 6. Identifiers: Orphanet 247262, MedGen C3553637, MONDO:0013882, OMIM 614749.

Allele frequency attached by ClinVar (database versions not stated): gnomAD exomes 0.00004 and 0.00002; ExAC 0.00003.

Submission:

Labcorp Genetics (formerly Invitae), Labcorp
Classification: Uncertain significance for Hyperphosphatasia with impaired intellectual development syndrome 2. Last evaluated: 2022-11-01. Review status: criteria provided, single submitter. Criteria: Invitae Variant Classification Sherloc (09022015). Collection method: clinical testing. Allele origin: germline.
Comment: This sequence change replaces histidine, which is basic and polar, with tyrosine, which is neutral and polar, at codon 947 of the PIGO protein (p.His947Tyr). This variant is present in population databases (rs769624406, gnomAD 0.02%). This variant has not been reported in the literature in individuals affected with PIGO-related conditions. ClinVar contains an entry for this variant (Variation ID: 582315). Advanced modeling of protein sequence and biophysical properties (such as structural, functional, and spatial information, amino acid conservation, physicochemical variation, residue mobility, and thermodynamic stability) performed at Invitae indicates that this missense variant is not expected to disrupt PIGO protein function. In summary, the available evidence is currently insufficient to determine the role of this variant in disease. Therefore, it has been classified as a Variant of Uncertain Significance.